The following is an entry in ClinVar:

NM_002296.4(LBR):c.151G>A (p.Glu51Lys)

Gene: LBR (lamin B receptor; minus strand). Cytogenetic location: 1q42.12.
Variant type: single nucleotide variant.
Coding change: c.151G>A on transcript NM_002296.4 (MANE Select); coding-DNA position 151, G replaced by A.
Protein change: p.Glu51Lys; replaces glutamic acid 51 with lysine.
Molecular consequence: missense variant.
Genome position (GRCh38, 1-based): chr1:225,423,925, C>T on the plus strand (G>A on the coding strand, the complement: LBR is on the minus strand). VCF-style: chr1-225423925-C-T. GRCh37 (hg19) VCF-style: chr1-225611627-C-T.
Other names: c.151G>A, p.Glu51Lys (NM_194442.3); short protein forms E51K.
Identifiers: ClinVar variation 1412684 (VCV001412684.8), dbSNP rs1177590790, ClinGen allele CA345002718.

ClinVar aggregate classification (germline): Uncertain significance (1 of 4 stars; one submission).

Allele frequency attached by ClinVar (database versions not stated): gnomAD exomes below 0.00001; TOPMed 0.00001; gnomAD 0.00002.
gnomAD v4.1: 6 of 1,613,612 alleles (0.00037%); highest among the groups gnomAD compares: African/African-American, 0.0013%; no homozygotes.

Submission:

Labcorp Genetics (formerly Invitae), Labcorp
Classification: Uncertain significance. Last evaluated: 2021-03-20. Review status: criteria provided, single submitter. Criteria: Invitae Variant Classification Sherloc (09022015). Collection method: clinical testing. Allele origin: germline.
Comment: In summary, the available evidence is currently insufficient to determine the role of this variant in disease. Therefore, it has been classified as a Variant of Uncertain Significance. Advanced modeling of protein sequence and biophysical properties (such as structural, functional, and spatial information, amino acid conservation, physicochemical variation, residue mobility, and thermodynamic stability) performed at Invitae indicates that this missense variant is expected to disrupt LBR protein function. This variant has not been reported in the literature in individuals with LBR-related conditions. This variant is not present in population databases (ExAC no frequency). This sequence change replaces glutamic acid with lysine at codon 51 of the LBR protein (p.Glu51Lys). The glutamic acid residue is moderately conserved and there is a small physicochemical difference between glutamic acid and lysine.